The following is an entry in ClinVar:

NM_206933.4(USH2A):c.13365dup (p.Gly4456fs)

Gene: USH2A (usherin; minus strand). Cytogenetic location: 1q41.
Variant type: Duplication.
Coding change: c.13365dup on transcript NM_206933.4 (MANE Select); coding-DNA position 13365, one base duplicated (A; older notation c.13365dupA).
Protein change: p.Gly4456fs; shifts the reading frame from glycine 4456.
Molecular consequence: frameshift variant.
Genome position (GRCh38, 1-based): chr1:215,674,546, T duplicated on the plus strand (A on the coding strand, the reverse complement: USH2A is on the minus strand). VCF-style (leftmost placement, unchanged base first): chr1-215674545-C-CT. GRCh37 (hg19) VCF-style: chr1-215847887-C-CT.
Other names: short protein forms G4456fs.
Identifiers: ClinVar variation 2731963 (VCV002731963.3), dbSNP rs2464895697, ClinGen allele CA2697554903.

ClinVar aggregate classification (germline): Pathogenic (1 of 4 stars; one submission).

Submission:

Labcorp Genetics (formerly Invitae), Labcorp
Classification: Pathogenic. Last evaluated: 2023-06-28. Review status: criteria provided, single submitter. Criteria: Invitae Variant Classification Sherloc (09022015). Collection method: clinical testing. Allele origin: germline.
Comment: This variant has not been reported in the literature in individuals affected with USH2A-related conditions. For these reasons, this variant has been classified as Pathogenic. This sequence change creates a premature translational stop signal (p.Gly4456Argfs*23) in the USH2A gene. It is expected to result in an absent or disrupted protein product. Loss-of-function variants in USH2A are known to be pathogenic (PMID: 10729113, 10909849, 20507924, 25649381). This variant is not present in population databases (gnomAD no frequency).

Literature cited by the submitters: PubMed 10729113; PubMed 10909849; PubMed 20507924; PubMed 25649381.